The following is an entry in ClinVar:

ClinVar aggregate classification (germline): Likely benign (1 of 4 stars; one submission).

Allele frequency attached by ClinVar (database versions not stated): ExAC 0.00001; gnomAD exomes 0.00001.
gnomAD v4.1: 19 of 1,614,182 alleles (0.0012%); highest among the groups gnomAD compares: Non-Finnish European, 0.0016%; no homozygotes.

Submission:

CeGaT Center for Human Genetics Tuebingen
Classification: Likely benign. Last evaluated: 2022-06-01. Review status: criteria provided, single submitter. Criteria: CeGaT Center For Human Genetics Tuebingen Variant Classification Criteria Version 2. Collection method: clinical testing. Allele origin: germline. Affected: yes. Observed: 1 variant allele.
Comment: SYNE1: BP4, BP7

NM_182961.4(SYNE1):c.14685C>T (p.Arg4895=)

Gene: SYNE1 (spectrin repeat containing nuclear envelope protein 1; minus strand). Cytogenetic location: 6q25.2.
Variant type: single nucleotide variant.
Coding change: c.14685C>T on transcript NM_182961.4 (MANE Select); coding-DNA position 14685, C replaced by T.
Protein change: p.Arg4895=; no amino-acid change (arginine 4895 retained).
Molecular consequence: synonymous variant.
Genome position (GRCh38, 1-based): chr6:152,330,000, G>A on the plus strand (C>T on the coding strand, the complement: SYNE1 is on the minus strand). VCF-style: chr6-152330000-G-A. GRCh37 (hg19) VCF-style: chr6-152651135-G-A.
Other names: c.14472C>T, p.Arg4824= (NM_033071.5).
Identifiers: ClinVar variation 2657017 (VCV002657017.24), dbSNP rs770431727, ClinGen allele CA4055961.
Genomic context (GRCh38, chr6:152,330,000, plus strand): 5'-GAGGTCTAGGTACACCGGCCCACTGAGCTCTGCCTTCACTCTCCTCAGCCAGTCCAGGGA[G>A]CGACTCATCTCAGTCTGGAAGTCTATACTCTGCACCATTCGGCTCTCACATTCTGTCACC-3'
Protein context (NP_892006.3, residues 4885-4905): QSIDFQTEMS[Arg4895=]SLDWLRRVKA